The following is an entry in ClinVar:

ClinVar aggregate classification (germline): Likely benign (1 of 4 stars; one submission).

Submission:

CeGaT Center for Human Genetics Tuebingen
Classification: Likely benign. Last evaluated: 2026-02-01. Review status: criteria provided, single submitter. Criteria: CeGaT Center For Human Genetics Tuebingen Variant Classification Criteria Version 2. Collection method: clinical testing. Allele origin: germline. Affected: yes. Observed: 1 variant allele.
Comment: QRICH2: BP4, BP7

NM_001388453.1(QRICH2):c.2406G>A (p.Val802=)

Gene: QRICH2 (glutamine rich 2; minus strand). Cytogenetic location: 17q25.1.
Variant type: single nucleotide variant.
Coding change: c.2406G>A on transcript NM_001388453.1 (MANE Select); coding-DNA position 2406, G replaced by A.
Protein change: p.Val802=; no amino-acid change (valine 802 retained).
Molecular consequence: synonymous variant.
Genome position (GRCh38, 1-based): chr17:76,292,321, C>T on the plus strand (G>A on the coding strand, the complement: QRICH2 is on the minus strand). VCF-style: chr17-76292321-C-T. GRCh37 (hg19) VCF-style: chr17-74288402-C-T.
Other names: c.2406G>A, p.Val802= (NM_032134.3).
Identifiers: ClinVar variation 4820750 (VCV004820750.4).